The following is an entry in ClinVar:

ClinVar aggregate classification (germline): Uncertain significance (1 of 4 stars; one submission).

Conditions:
Emery-Dreifuss muscular dystrophy 5, autosomal dominant (EDMD5). Also called: EMERY-DREIFUSS MUSCULAR DYSTROPHY 5. Identifiers: Orphanet 261, MedGen C2751805, MONDO:0013072, OMIM 612999.

gnomAD v4.1: 11 of 1,614,068 alleles (0.00068%); highest among the groups gnomAD compares: Non-Finnish European, 0.00093%; no homozygotes.

Submission:

Labcorp Genetics (formerly Invitae), Labcorp
Classification: Uncertain significance for Emery-Dreifuss muscular dystrophy 5, autosomal dominant. Last evaluated: 2025-11-24. Review status: criteria provided, single submitter. Criteria: Invitae Variant Classification Sherloc (09022015). Collection method: clinical testing. Allele origin: germline.
Comment: This sequence change replaces valine, which is neutral and non-polar, with methionine, which is neutral and non-polar, at codon 1918 of the SYNE2 protein (p.Val1918Met). This variant is present in population databases (rs199898588, gnomAD 0.005%). This variant has not been reported in the literature in individuals affected with SYNE2-related conditions. ClinVar contains an entry for this variant (Variation ID: 1519373). An algorithm developed to predict the effect of missense changes on protein structure and function outputs the following: PolyPhen-2: "Possibly Damaging". The methionine amino acid residue is found in multiple mammalian species, which suggests that this missense change does not adversely affect protein function. In summary, the available evidence is currently insufficient to determine the role of this variant in disease. Therefore, it has been classified as a Variant of Uncertain Significance.

NM_182914.3(SYNE2):c.5752G>A (p.Val1918Met)

Gene: SYNE2 (spectrin repeat containing nuclear envelope protein 2; plus strand). Cytogenetic location: 14q23.2.
Variant type: single nucleotide variant.
Coding change: c.5752G>A on transcript NM_182914.3 (MANE Select); coding-DNA position 5752, G replaced by A.
Protein change: p.Val1918Met; replaces valine 1918 with methionine.
Molecular consequence: missense variant.
Genome position (GRCh38, 1-based): chr14:64,024,371, G>A. VCF-style: chr14-64024371-G-A. GRCh37 (hg19) VCF-style: chr14-64491089-G-A.
Other names: c.5752G>A, p.Val1918Met (NM_015180.6); short protein forms V1918M.
Identifiers: ClinVar variation 1519373 (VCV001519373.6), dbSNP rs199898588, ClinGen allele CA7220549.